The following is an entry in ClinVar:

ClinVar aggregate classification (germline): Uncertain significance (1 of 4 stars; one submission).

Conditions:
Neuropathy, hereditary sensory and autonomic, type 1C. Also called: HSAN IC; HSN IC. Identifiers: Orphanet 36386, MedGen C3150896, MONDO:0013337, OMIM 613640.

Submission:

Labcorp Genetics (formerly Invitae), Labcorp
Classification: Uncertain significance for Neuropathy, hereditary sensory and autonomic, type 1C. Last evaluated: 2020-07-12. Review status: criteria provided, single submitter. Criteria: Invitae Variant Classification Sherloc (09022015). Collection method: clinical testing. Allele origin: germline.
Comment: This variant is a gross deletion of the genomic region encompassing exon(s) 12 of the SPTLC2 gene. The 5' boundary is likely confined to intron 11. The 3' end of this event is unknown as it extends through the termination codon beyond the assayed region for this gene and may encompass additional genes. While this deletion is not anticipated to result in nonsense mediated decay, it is expected to create a truncated protein product or disrupt mRNA translation. This variant has not been reported in the literature in individuals with SPTLC2-related conditions. Experimental studies and prediction algorithms are not available or were not evaluated, and the functional significance of this variant is currently unknown. In summary, the available evidence is currently insufficient to determine the role of this variant in disease. Therefore, it has been classified as a Variant of Uncertain Significance.

NC_000014.8:g.(?_77978617)_(77978756_?)del

Gene: SPTLC2 (serine palmitoyltransferase long chain base subunit 2; minus strand). Cytogenetic location: 14q24.3.
Variant type: Deletion.
Identifiers: ClinVar variation 1040555 (VCV001040555.4).